The following is an entry in ClinVar:

ClinVar aggregate classification (germline): Uncertain significance (1 of 4 stars; one submission).

gnomAD v4.1: 5 of 1,614,102 alleles (0.00031%); highest among the groups gnomAD compares: East Asian, 0.0022%; no homozygotes.

Submission:

Labcorp Genetics (formerly Invitae), Labcorp
Classification: Uncertain significance. Last evaluated: 2025-02-25. Review status: criteria provided, single submitter. Criteria: Invitae Variant Classification Sherloc (09022015). Collection method: clinical testing. Allele origin: germline.
Comment: This sequence change replaces methionine, which is neutral and non-polar, with valine, which is neutral and non-polar, at codon 496 of the SPECC1L protein (p.Met496Val). This variant is present in population databases (rs368577395, gnomAD 0.005%). This variant has not been reported in the literature in individuals affected with SPECC1L-related conditions. Invitae Evidence Modeling of protein sequence and biophysical properties (such as structural, functional, and spatial information, amino acid conservation, physicochemical variation, residue mobility, and thermodynamic stability) indicates that this missense variant is not expected to disrupt SPECC1L protein function with a negative predictive value of 80%. In summary, the available evidence is currently insufficient to determine the role of this variant in disease. Therefore, it has been classified as a Variant of Uncertain Significance.

NM_015330.6(SPECC1L):c.1486A>G (p.Met496Val)

Genes: SPECC1L (sperm antigen with calponin homology and coiled-coil domains 1 like; plus strand), SPECC1L-ADORA2A (SPECC1L-ADORA2A readthrough (NMD candidate); plus strand). Cytogenetic location: 22q11.23.
Variant type: single nucleotide variant.
Coding change: c.1486A>G on transcript NM_015330.6 (MANE Select); coding-DNA position 1486, A replaced by G.
Protein change: p.Met496Val; replaces methionine 496 with valine.
Molecular consequence: missense variant. On other transcripts: non-coding transcript variant (1).
Genome position (GRCh38, 1-based): chr22:24,322,466, A>G. VCF-style: chr22-24322466-A-G. GRCh37 (hg19) VCF-style: chr22-24718434-A-G.
Other names: c.1486A>G, p.Met496Val (NM_001145468.4, NM_001254732.3); short protein forms M496V.
Identifiers: ClinVar variation 4763961 (VCV004763961.1).